The following is an entry in ClinVar:

NM_031885.5(BBS2):c.627_628del (p.Cys210fs)

Gene: BBS2 (Bardet-Biedl syndrome 2; minus strand). Cytogenetic location: 16q13.
Variant type: Deletion.
Coding change: c.627_628del on transcript NM_031885.5 (MANE Select); coding-DNA positions 627 to 628, 2 bases deleted (TT; older notation c.627_628delTT).
Protein change: p.Cys210fs; shifts the reading frame from cysteine 210.
Molecular consequence: frameshift variant. On other transcripts: non-coding transcript variant (5).
Genome position (GRCh38, 1-based): chr16:56,506,209-56,506,210, AA deleted on the plus strand (TT on the coding strand, the reverse complement: BBS2 is on the minus strand); deleting any 2 consecutive bases within chr16:56,506,209-56,506,211 gives the same sequence; the c. name uses the placement nearest the transcript's 3' end. VCF-style (leftmost placement, unchanged base first): chr16-56506208-CAA-C. GRCh37 (hg19) VCF-style: chr16-56540120-CAA-C.
Other names: c.627_628del, p.Cys210fs (NM_001377456.1); short protein forms C210fs.
Identifiers: ClinVar variation 557486 (VCV000557486.9), dbSNP rs773417074, ClinGen allele CA8065977.

ClinVar aggregate classification (germline): Pathogenic/Likely pathogenic. Review status: criteria provided, multiple submitters, no conflicts (2 of 4 stars). 4 submissions from 4 submitters: Pathogenic (2); Likely pathogenic (1). 1 of the submissions does not count toward it. Last evaluated 2023-10-17.

Conditions:
Bardet-Biedl syndrome 2 (BBS2). Identifiers: Orphanet 110, MedGen C2936863, MONDO:0014432, OMIM 615981.
Bardet-Biedl syndrome (BBS). Identifiers: Orphanet 110, MedGen C0752166, MONDO:0015229.

Submissions (4):

Labcorp Genetics (formerly Invitae), Labcorp
Classification: Pathogenic for Bardet-Biedl syndrome. Last evaluated: 2023-10-17. Review status: criteria provided, single submitter. Criteria: Invitae Variant Classification Sherloc (09022015). Collection method: clinical testing. Allele origin: germline.
Comment: This sequence change creates a premature translational stop signal (p.Cys210Serfs*20) in the BBS2 gene. It is expected to result in an absent or disrupted protein product. Loss-of-function variants in BBS2 are known to be pathogenic (PMID: 11285252, 20177705, 24608809, 26518167). This variant is present in population databases (rs773417074, gnomAD 0.003%). This premature translational stop signal has been observed in individual(s) with Bardet-Biedl syndrome (PMID: 15770229). In at least one individual the data is consistent with being in trans (on the opposite chromosome) from a pathogenic variant. This variant is also known as c.627delTT. ClinVar contains an entry for this variant (Variation ID: 557486). For these reasons, this variant has been classified as Pathogenic.

Baylor Genetics
Classification: Pathogenic for Bardet-Biedl syndrome 2. Last evaluated: 2023-10-03. Review status: criteria provided, single submitter. Criteria: ACMG Guidelines, 2015. Collection method: clinical testing. Allele origin: unknown.

Women's Health and Genetics/Laboratory Corporation of America, LabCorp
Classification: Likely pathogenic for Bardet-Biedl syndrome. Last evaluated: 2023-03-29. Review status: criteria provided, single submitter. Criteria: LabCorp Variant Classification Summary - May 2015. Collection method: clinical testing. Allele origin: germline.
Comment: Variant summary: BBS2 c.627_628delTT (p.Cys210SerfsX20) results in a premature termination codon, predicted to cause a truncation of the encoded protein or absence of the protein due to nonsense mediated decay, which are commonly known mechanisms for disease. Truncations downstream of this position have been classified as pathogenic by our laboratory. The variant allele was found at a frequency of 8e-06 in 251012 control chromosomes. c.627_628delTT has been reported in the literature in a compound heterozygous state in an individual affected with Bardet-Biedl Syndrome who was reported to have an affected sibling, although it was not reported whether they were also genotyped (e.g. Hichri_2005, Schaefer_2011). To our knowledge, no experimental evidence demonstrating an impact on protein function has been reported. Two clinical diagnostic laboratories have submitted clinical-significance assessments for this variant to ClinVar after 2014 and classified the variant as pathogenic and likely pathogenic. Based on the evidence outlined above, the variant was classified as likely pathogenic.

Counsyl
Classification: Likely pathogenic for Bardet-Biedl syndrome 2. Last evaluated: 2018-03-27. Review status: no assertion criteria provided. Collection method: clinical testing. Allele origin: unknown. Not counted in ClinVar's aggregate classification.

Literature cited by the submitters: PubMed 11285252 (cited by Labcorp Genetics (formerly Invitae), Labcorp); PubMed 20177705 (cited by Labcorp Genetics (formerly Invitae), Labcorp); PubMed 24608809 (cited by Labcorp Genetics (formerly Invitae), Labcorp); PubMed 26518167 (cited by Labcorp Genetics (formerly Invitae), Labcorp); PubMed 15770229 (cited by 3 submitters); PubMed 21044901 (cited by Women's Health and Genetics/Laboratory Corporation of America, LabCorp).